The following is an entry in ClinVar:

ClinVar aggregate classification (germline): Likely benign. Review status: reviewed by expert panel (3 of 4 stars). 2 submissions from 2 submitters: Likely benign (1). 1 of the submissions does not count toward it. Last evaluated 2024-06-24.

Conditions:
Hereditary thrombocytopenia and hematological cancer predisposition syndrome associated with RUNX1. Also called: Familial Platelet Disorder with Propensity to Acute Myelogenous Leukemia; Familial thrombocytopenia with propensity to acute myelogenous leukemia; PLATELET DISORDER, ASPIRIN-LIKE; RUNX1 Familial Platelet Disorder with Associated Myeloid Malignancies. Identifiers: Orphanet 71290, MedGen C1832388, MeSH C563324, MONDO:0100083, OMIM 601399.
Hereditary thrombocytopenia and hematologic cancer predisposition syndrome. Identifiers: Orphanet 71290, MedGen CN281654, MONDO:0011071.

Allele frequency attached by ClinVar (database versions not stated): gnomAD exomes below 0.00001.
gnomAD v4.1: 1 of 1,614,068 alleles (0.000062%); highest among the groups gnomAD compares: Non-Finnish European, 0.000085%; no homozygotes.

Submissions (2):

ClinGen Myeloid Malignancy Variant Curation Expert Panel
Classification: Likely benign for Hereditary thrombocytopenia and hematologic cancer predisposition syndrome. Last evaluated: 2024-06-24. Review status: reviewed by expert panel. Criteria: ClinGen MyeloMalig ACMG Specifications v2. Collection method: curation. Allele origin: germline. Inheritance: Autosomal dominant inheritance.
Comment: The c.967+6C>G intronic variant is not predicted by SpliceAI (Δ scores ≤ 0.20) to significantly impact canonical splice sites or create putative cryptic splice sites (BP4); in addition, an evolutionary conservation algorithm predicts the site as being weakly conserved (PhyloP score = 0.288362 in GRCh38), and the variant allele is the reference nucleotide in one primate and/or three mammal species (BP7). While this variant is absent from gnomAD v2 and v3 (PM2_Supporting), it has not been reported in cases or in the literature. In summary, this variant meets the criteria to be classified as likely benign for hereditary thrombocytopenia and hematologic cancer predisposition syndrome based on the ACMG/AMP criteria applied, as specified by the ClinGen Myeloid Malignancy VCEP: BP4, BP7, PM2_Supporting.

Labcorp Genetics (formerly Invitae), Labcorp
Classification: Uncertain significance for Hereditary thrombocytopenia and hematological cancer predisposition syndrome associated with RUNX1. Last evaluated: 2022-05-21. Review status: criteria provided, single submitter. Criteria: Invitae Variant Classification Sherloc (09022015). Collection method: clinical testing. Allele origin: germline. Not counted in ClinVar's aggregate classification.
Comment: In summary, the available evidence is currently insufficient to determine the role of this variant in disease. Therefore, it has been classified as a Variant of Uncertain Significance. Variants that disrupt the consensus splice site are a relatively common cause of aberrant splicing (PMID: 17576681, 9536098). Algorithms developed to predict the effect of sequence changes on RNA splicing suggest that this variant is not likely to affect RNA splicing. This variant has not been reported in the literature in individuals affected with RUNX1-related conditions. This variant is not present in population databases (gnomAD no frequency). This sequence change falls in intron 8 of the RUNX1 gene. It does not directly change the encoded amino acid sequence of the RUNX1 protein. It affects a nucleotide within the consensus splice site.

Literature cited by the submitters: PubMed 17576681 (cited by Labcorp Genetics (formerly Invitae), Labcorp); PubMed 9536098 (cited by Labcorp Genetics (formerly Invitae), Labcorp).

NM_001754.5(RUNX1):c.967+6C>G

Gene: RUNX1 (RUNX family transcription factor 1; minus strand). Cytogenetic location: 21q22.12.
Variant type: single nucleotide variant.
Coding change: c.967+6C>G on transcript NM_001754.5 (MANE Select); 6 bases into the intron after coding-DNA position 967, C replaced by G.
Molecular consequence: intron variant.
Genome position (GRCh38, 1-based): chr21:34,799,295, G>C on the plus strand (C>G on the coding strand, the complement: RUNX1 is on the minus strand). VCF-style: chr21-34799295-G-C. GRCh37 (hg19) VCF-style: chr21-36171592-G-C.
Other names: c.886+6C>G (NM_001001890.3).
Identifiers: ClinVar variation 1997400 (VCV001997400.5), dbSNP rs2145906876, ClinGen allele CA2580098838.